The following is an entry in ClinVar:

ClinVar aggregate classification (germline): Uncertain significance (1 of 4 stars; one submission).

Conditions:
Cardiovascular phenotype. Identifiers: MedGen CN230736.

Allele frequency attached by ClinVar (database versions not stated): gnomAD exomes below 0.00001.
gnomAD v4.1: 1 of 1,614,086 alleles (0.000062%); highest among the groups gnomAD compares: Non-Finnish European, 0.000085%; no homozygotes.

Submission:

Ambry Genetics
Classification: Uncertain significance for Cardiovascular phenotype. Last evaluated: 2023-04-13. Review status: criteria provided, single submitter. Criteria: Ambry Variant Classification Scheme 2023. Collection method: clinical testing. Allele origin: germline.
Comment: The p.S2246G variant (also known as c.6736A>G), located in coding exon 38 of the ANK2 gene, results from an A to G substitution at nucleotide position 6736. The serine at codon 2246 is replaced by glycine, an amino acid with similar properties. This amino acid position is conserved. In addition, the in silico prediction for this alteration is inconclusive. Since supporting evidence is limited at this time, the clinical significance of this alteration remains unclear.

NM_001148.6(ANK2):c.6736A>G (p.Ser2246Gly)

Gene: ANK2 (ankyrin 2; plus strand). Cytogenetic location: 4q26.
Variant type: single nucleotide variant.
Coding change: c.6736A>G on transcript NM_001148.6 (MANE Select); coding-DNA position 6736, A replaced by G.
Protein change: p.Ser2246Gly; replaces serine 2246 with glycine.
Molecular consequence: missense variant. On other transcripts: intron variant (68).
Genome position (GRCh38, 1-based): chr4:113,355,354, A>G. VCF-style: chr4-113355354-A-G. GRCh37 (hg19) VCF-style: chr4-114276510-A-G.
Other names: c.6502A>G, p.Ser2168Gly (NM_001386142.1); c.3136A>G, p.Ser1046Gly (NM_001386166.1); c.6877A>G, p.Ser2293Gly (NM_001386174.1); c.6853A>G, p.Ser2285Gly (NM_001386175.1); c.4411+5105A>G (NM_001386186.2, NM_001386148.2); c.4213+5105A>G (NM_001354269.3); c.4291+5105A>G (NM_001386187.2); c.4252+5105A>G (NM_001386147.1); and 35 more; short protein forms S2293G, S1046G, S2285G, S2168G, S2246G.
Identifiers: ClinVar variation 2565301 (VCV002565301.2), dbSNP rs2505612545, ClinGen allele CA357925373.
Genomic context (GRCh38, chr4:113,355,354, plus strand): 5'-AGTTCAGAAGAAAGCTATAAGCATGAAGGCCTAGCAGAGACCCCTGAGACGAGCCCAGAA[A>G]GCCTTTCTTTCTCACCAAAGAAAAGTGAGGAGCAAACTGGGGAAACAAAGGAAAGCACCA-3'
Protein context (NP_001139.3, residues 2236-2256): LAETPETSPE[Ser2246Gly]LSFSPKKSEE